The following is an entry in ClinVar:

ClinVar aggregate classification (germline): Uncertain significance (1 of 4 stars; one submission).

Submission:

CeGaT Center for Human Genetics Tuebingen
Classification: Uncertain significance. Last evaluated: 2026-09-01. Review status: criteria provided, single submitter. Criteria: CeGaT Center For Human Genetics Tuebingen Variant Classification Criteria Version 2. Collection method: clinical testing. Allele origin: germline. Affected: yes. Observed: 1 variant allele.
Comment: DSC2: PM2, BP4

NM_024422.6(DSC2):c.1349G>C (p.Arg450Thr)

Gene: DSC2 (desmocollin 2; minus strand). Cytogenetic location: 18q12.1.
Variant type: single nucleotide variant.
Coding change: c.1349G>C on transcript NM_024422.6 (MANE Select); coding-DNA position 1349, G replaced by C.
Protein change: p.Arg450Thr; replaces arginine 450 with threonine.
Molecular consequence: missense variant.
Genome position (GRCh38, 1-based): chr18:31,080,267, C>G on the plus strand (G>C on the coding strand, the complement: DSC2 is on the minus strand). VCF-style: chr18-31080267-C-G. GRCh37 (hg19) VCF-style: chr18-28660233-C-G.
Other names: c.920G>C, p.Arg307Thr (NM_001406506.1, NM_001406507.1); c.1349G>C, p.Arg450Thr (NM_004949.5); short protein forms R307T, R450T.
Identifiers: ClinVar variation 5041539 (VCV005041539.1).